The following is an entry in ClinVar:

NM_153704.6(TMEM67):c.507G>A (p.Arg169=)

Gene: TMEM67 (transmembrane protein 67; plus strand). Cytogenetic location: 8q22.1.
Variant type: single nucleotide variant.
Coding change: c.507G>A on transcript NM_153704.6 (MANE Select); coding-DNA position 507, G replaced by A.
Protein change: p.Arg169=; no amino-acid change (arginine 169 retained).
Molecular consequence: synonymous variant. On other transcripts: non-coding transcript variant (1).
Genome position (GRCh38, 1-based): chr8:93,765,406, G>A. VCF-style: chr8-93765406-G-A. GRCh37 (hg19) VCF-style: chr8-94777634-G-A.
Other names: c.264G>A, p.Arg88= (NM_001142301.1); c.507G>A (NM_153704.5).
Identifiers: ClinVar variation 1402389 (VCV001402389.6), dbSNP rs759319668, ClinGen allele CA4807688.

ClinVar aggregate classification (germline): Uncertain significance. Review status: criteria provided, multiple submitters, no conflicts (2 of 4 stars). 2 submissions from 2 submitters: Uncertain significance (2). Last evaluated 2026-06-25.

Conditions:
TMEM67-related disorder. Also called: TMEM67-related disorders; TMEM67-related condition. Identifiers: MedGen CN239423.
Joubert syndrome. Also called: Familial aplasia of the vermis; JOUBERT-BOLTSHAUSER SYNDROME. Identifiers: Orphanet 475, MedGen C5979921, MONDO:0018772.
Meckel-Gruber syndrome. Also called: Dysencephalia splachnocystica; GRUBER SYNDROME; DYSENCEPHALIA SPLANCHNOCYSTICA. Identifiers: Orphanet 564, MedGen C0265215, MONDO:0018921.

Allele frequency attached by ClinVar (database versions not stated): gnomAD exomes below 0.00001 and 0.00001; ExAC 0.00001; TOPMed 0.00001; gnomAD 0.00003 and 0.00005.
gnomAD v4.1: 7 of 1,609,900 alleles (0.00043%); highest among the groups gnomAD compares: African/African-American, 0.0067%; no homozygotes.

Submissions (2):

PreventionGenetics, part of Exact Sciences
Classification: Uncertain significance for TMEM67-related condition. Last evaluated: 2026-06-25. Review status: criteria provided, single submitter. Criteria: ACMG Guidelines, 2015. Collection method: clinical testing. Allele origin: germline.
Comment: The TMEM67 c.507G>A variant is not predicted to result in an amino acid change (p.=). To our knowledge, this variant has not been reported in the literature. This variant is predicted to impact splicing based on splicing prediction programs (SpliceAI, Jaganathan K, et al. 2019. PubMed ID: 30661751). However, the use of computer prediction programs is not equivalent to functional evidence. This variant is reported in 0.012% of alleles in individuals of African descent in gnomAD. At this time, the clinical significance of this variant is uncertain due to the absence of conclusive functional and genetic evidence.

Labcorp Genetics (formerly Invitae), Labcorp
Classification: Uncertain significance for Joubert syndrome; Meckel-Gruber syndrome. Last evaluated: 2022-02-24. Review status: criteria provided, single submitter. Criteria: Invitae Variant Classification Sherloc (09022015). Collection method: clinical testing. Allele origin: germline.
Comment: This sequence change affects codon 169 of the TMEM67 mRNA. It is a 'silent' change, meaning that it does not change the encoded amino acid sequence of the TMEM67 protein. It affects a nucleotide within the consensus splice site. This variant is present in population databases (rs759319668, gnomAD 0.008%). This variant has not been reported in the literature in individuals affected with TMEM67-related conditions. Algorithms developed to predict the effect of sequence changes on RNA splicing suggest that this variant is not likely to affect RNA splicing. In summary, the available evidence is currently insufficient to determine the role of this variant in disease. Therefore, it has been classified as a Variant of Uncertain Significance.